The following is an entry in ClinVar:

NM_000069.3(CACNA1S):c.1235G>A (p.Arg412Gln)

Gene: CACNA1S (calcium voltage-gated channel subunit alpha1 S; minus strand). Cytogenetic location: 1q32.1.
Variant type: single nucleotide variant.
Coding change: c.1235G>A on transcript NM_000069.3 (MANE Select); coding-DNA position 1235, G replaced by A.
Protein change: p.Arg412Gln; replaces arginine 412 with glutamine.
Molecular consequence: missense variant.
Genome position (GRCh38, 1-based): chr1:201,083,320, C>T on the plus strand (G>A on the coding strand, the complement: CACNA1S is on the minus strand). VCF-style: chr1-201083320-C-T. GRCh37 (hg19) VCF-style: chr1-201052448-C-T.
Other names: c.1235G>A (NM_000069.2); short protein forms R412Q.
Identifiers: ClinVar variation 2923759 (VCV002923759.6), dbSNP rs761248676, ClinGen allele CA078082.
Genomic context (GRCh38, chr1:201,083,320, plus strand): 5'-TTGGACTTCACGATGTCATGGCACTTCCAGCGAAAGATGCGGTTCCACTGCCTCCAATGT[C>T]GGCTGAGGGAGGGGACAGAGGATGGTCTACAGTGCTGTGCTGTTCTACGCCCCACCTGTC-3'
Protein context (NP_000060.2, residues 402-422): AGLNKIIQFI[Arg412Gln]HWRQWNRIFR

ClinVar aggregate classification (germline): Uncertain significance. Review status: criteria provided, multiple submitters, no conflicts (2 of 4 stars). 4 submissions from 4 submitters: Uncertain significance (4). Last evaluated 2025-11-10.

Conditions:
Malignant hyperthermia, susceptibility to, 5 (MHS5). Also called: CACNA1S-Related Malignant Hyperthermia Susceptibility. Identifiers: Orphanet 423, MedGen C1866077, MONDO:0011163, OMIM 601887.
Hypokalemic periodic paralysis, type 1. Also called: Hypokalemic Periodic Paralysis Type 1 (AD); HypoPP. Identifiers: Orphanet 681, MedGen C3714580, MONDO:0042979, OMIM 170400.

Allele frequency attached by ClinVar (database versions not stated): ExAC 0.00001; gnomAD exomes 0.00001; gnomAD 0.00002; TOPMed 0.00002.
gnomAD v4.1: 15 of 1,614,038 alleles (0.00093%); highest among the groups gnomAD compares: Middle Eastern, 0.016%; no homozygotes.

Submissions (4):

Labcorp Genetics (formerly Invitae), Labcorp
Classification: Uncertain significance for Hypokalemic periodic paralysis, type 1; Malignant hyperthermia, susceptibility to, 5. Last evaluated: 2025-11-10. Review status: criteria provided, single submitter. Criteria: Invitae Variant Classification Sherloc (09022015). Collection method: clinical testing. Allele origin: germline.
Comment: This sequence change replaces arginine, which is basic and polar, with glutamine, which is neutral and polar, at codon 412 of the CACNA1S protein (p.Arg412Gln). This variant is present in population databases (rs761248676, gnomAD 0.004%). This variant has not been reported in the literature in individuals affected with CACNA1S-related conditions. ClinVar contains an entry for this variant (Variation ID: 2923759). Invitae Evidence Modeling of protein sequence and biophysical properties (such as structural, functional, and spatial information, amino acid conservation, physicochemical variation, residue mobility, and thermodynamic stability) indicates that this missense variant is not expected to disrupt CACNA1S protein function with a negative predictive value of 95%. In summary, the available evidence is currently insufficient to determine the role of this variant in disease. Therefore, it has been classified as a Variant of Uncertain Significance.

Color Diagnostics, LLC DBA Color Health
Classification: Uncertain significance for Malignant hyperthermia, susceptibility to, 5. Last evaluated: 2025-08-04. Review status: criteria provided, single submitter. Criteria: ACMG Guidelines, 2015. Collection method: clinical testing. Allele origin: germline.
Comment: This missense variant replaces arginine with glutamine at codon 412 of the CACNA1S protein. Computational prediction is inconclusive regarding the impact of this variant on protein structure and function. To our knowledge, functional studies have not been reported for this variant. This variant has not been reported in individuals affected with CACNA1S-related disorders in the literature. This variant has been identified in 3/251446 chromosomes in the general population by the Genome Aggregation Database (gnomAD). The available evidence is insufficient to determine the role of this variant in disease conclusively. Therefore, this variant is classified as a Variant of Uncertain Significance.

GeneDx
Classification: Uncertain significance. Last evaluated: 2025-04-14. Review status: criteria provided, single submitter. Criteria: GeneDx Variant Classification Process June 2021. Collection method: clinical testing. Allele origin: germline. Affected: yes.
Comment: Not observed at significant frequency in large population cohorts (gnomAD); In silico analysis supports that this missense variant has a deleterious effect on protein structure/function; Has not been previously published as pathogenic or benign to our knowledge

All of Us Research Program, National Institutes of Health
Classification: Uncertain significance for Malignant hyperthermia, susceptibility to, 5. Last evaluated: 2023-12-18. Review status: criteria provided, single submitter. Criteria: ACMG Guidelines, 2015. Collection method: clinical testing. Allele origin: germline. Inheritance: Autosomal dominant inheritance. Observed: 2 variant alleles, 2 heterozygotes.
Comment: This missense variant replaces arginine with glutamine at codon 412 of the CACNA1S protein. Computational prediction is inconclusive regarding the impact of this variant on protein structure and function (internally defined REVEL score threshold 0.5 < inconclusive < 0.7, PMID: 27666373). To our knowledge, functional studies have not been reported for this variant. This variant has not been reported in individuals affected with CACNA1S-related disorders in the literature. This variant has been identified in 3/251446 chromosomes in the general population by the Genome Aggregation Database (gnomAD). The available evidence is insufficient to determine the role of this variant in disease conclusively. Therefore, this variant is classified as a Variant of Uncertain Significance.

This study involves interpretation of variants in research participants for the purpose of population health screening. Participant phenotype was not available at the time of variant classification. Additional details can be found in publication PMID: 35346344, PMCID: PMC8962531